The following is an entry in ClinVar:

NM_173546.3(KLHDC8B):c.945G>A (p.Met315Ile)

Gene: KLHDC8B (kelch domain containing 8B; plus strand). Cytogenetic location: 3p21.31.
Variant type: single nucleotide variant.
Coding change: c.945G>A on transcript NM_173546.3 (MANE Select); coding-DNA position 945, G replaced by A.
Protein change: p.Met315Ile; replaces methionine 315 with isoleucine.
Molecular consequence: missense variant.
Genome position (GRCh38, 1-based): chr3:49,175,681, G>A. VCF-style: chr3-49175681-G-A. GRCh37 (hg19) VCF-style: chr3-49213114-G-A.
Other names: short protein forms M315I.
Identifiers: ClinVar variation 4691741 (VCV004691741.1).

ClinVar aggregate classification (germline): Uncertain significance (1 of 4 stars; one submission).

Submission:

Labcorp Genetics (formerly Invitae), Labcorp
Classification: Uncertain significance. Last evaluated: 2025-03-30. Review status: criteria provided, single submitter. Criteria: Invitae Variant Classification Sherloc (09022015). Collection method: clinical testing. Allele origin: germline.
Comment: This sequence change replaces methionine, which is neutral and non-polar, with isoleucine, which is neutral and non-polar, at codon 315 of the KLHDC8B protein (p.Met315Ile). This variant is not present in population databases (gnomAD no frequency). This variant has not been reported in the literature in individuals affected with KLHDC8B-related conditions. An algorithm developed to predict the effect of missense changes on protein structure and function outputs the following: PolyPhen-2: "Benign". The isoleucine amino acid residue is found in multiple mammalian species, which suggests that this missense change does not adversely affect protein function. In summary, the available evidence is currently insufficient to determine the role of this variant in disease. Therefore, it has been classified as a Variant of Uncertain Significance.